The following is an entry in ClinVar:

NM_032444.4(SLX4):c.1720C>G (p.Pro574Ala)

Gene: SLX4 (SLX4 structure-specific endonuclease subunit; minus strand). Cytogenetic location: 16p13.3.
Variant type: single nucleotide variant.
Coding change: c.1720C>G on transcript NM_032444.4 (MANE Select); coding-DNA position 1720, C replaced by G.
Protein change: p.Pro574Ala; replaces proline 574 with alanine.
Molecular consequence: missense variant.
Genome position (GRCh38, 1-based): chr16:3,596,357, G>C on the plus strand (C>G on the coding strand, the complement: SLX4 is on the minus strand). VCF-style: chr16-3596357-G-C. GRCh37 (hg19) VCF-style: chr16-3646358-G-C.
Other names: short protein forms P574A.
Identifiers: ClinVar variation 1692000 (VCV001692000.4), dbSNP rs2040659325, ClinGen allele CA394527739.

ClinVar aggregate classification (germline): Uncertain significance. Review status: criteria provided, multiple submitters, no conflicts (2 of 4 stars). 2 submissions from 2 submitters: Uncertain significance (2). Last evaluated 2024-01-02.

Conditions:
Fanconi anemia (FA). Also called: Fanconi's anemia. Identifiers: Orphanet 84, MedGen C0015625, MeSH D005199, MONDO:0019391.

Allele frequency attached by ClinVar (database versions not stated): TOPMed 0.00001.

Submissions (2):

Labcorp Genetics (formerly Invitae), Labcorp
Classification: Uncertain significance for Fanconi anemia. Last evaluated: 2024-01-02. Review status: criteria provided, single submitter. Criteria: Invitae Variant Classification Sherloc (09022015). Collection method: clinical testing. Allele origin: germline.
Comment: This sequence change replaces proline, which is neutral and non-polar, with alanine, which is neutral and non-polar, at codon 574 of the SLX4 protein (p.Pro574Ala). This variant is not present in population databases (gnomAD no frequency). This variant has not been reported in the literature in individuals affected with SLX4-related conditions. ClinVar contains an entry for this variant (Variation ID: 1692000). An algorithm developed to predict the effect of missense changes on protein structure and function (PolyPhen-2) suggests that this variant¬†is likely to be tolerated. In summary, the available evidence is currently insufficient to determine the role of this variant in disease. Therefore, it has been classified as a Variant of Uncertain Significance.

Sema4
Classification: Uncertain significance for Fanconi anemia. Last evaluated: 2021-11-19. Review status: criteria provided, single submitter. Criteria: Sema4 Curation Guidelines. Collection method: curation. Allele origin: germline.
Comment: The SLX4 c.1720C>G (p.P574A) variant has not been reported in the literature to our knowledge. It was not observed in the large and broad cohorts of the Genome Aggregation Database and has not been reported in ClinVar. In silico tools suggest the impact of the variant on protein function is benign, though these predictions have not been confirmed by functional studies. The evidence is insufficient to meet ACMG/AMP criteria for classifying the variant as benign or pathogenic. Thus, the clinical significance of this variant is currently uncertain.